The following is an entry in ClinVar:

NM_001135629.3(PPP1R21):c.2199_2202del (p.Thr734fs)

Gene: PPP1R21 (protein phosphatase 1 regulatory subunit 21; plus strand). Cytogenetic location: 2p16.3.
Variant type: Deletion.
Coding change: c.2199_2202del on transcript NM_001135629.3 (MANE Select); coding-DNA positions 2199 to 2202, 4 bases deleted (TACC; older notation c.2199_2202delTACC).
Protein change: p.Thr734fs; shifts the reading frame from threonine 734.
Molecular consequence: frameshift variant. On other transcripts: non-coding transcript variant (1).
Genome position (GRCh38, 1-based): chr2:48,511,354-48,511,357, TACC deleted; deleting any 4 consecutive bases within chr2:48,511,353-48,511,357 gives the same sequence; the c. name uses the placement nearest the transcript's 3' end. VCF-style (leftmost placement, unchanged base first): chr2-48511352-ACTAC-A. GRCh37 (hg19) VCF-style: chr2-48738491-ACTAC-A.
Other names: c.2073_2076del, p.Thr692fs (NM_001193475.2); c.2166_2169del, p.Thr723fs (NM_152994.5); short protein forms T734fs, T692fs, T723fs.
Identifiers: ClinVar variation 5006308 (VCV005006308.2).

ClinVar aggregate classification (germline): Likely pathogenic (1 of 4 stars; one submission).

Conditions:
Neurodevelopmental disorder with hypotonia, facial dysmorphism, and brain abnormalities (NEDHFBA). Also called: PPP1R21-Related El-Hattab-Schmidts Syndrome; EL-HATTAB-SCHMIDTS SYNDROME. Identifiers: MedGen C5543591, MONDO:0859165, OMIM 619383.

Submission:

Juno Genomics, Hangzhou Juno Genomics, Inc
Classification: Likely pathogenic for Neurodevelopmental disorder with hypotonia, facial dysmorphism, and brain abnormalities. Review status: criteria provided, single submitter. Criteria: ACMG Guidelines, 2015. Collection method: clinical testing. Allele origin: germline.
Comment: Null variant in a gene where loss of function (LOF) is a known mechanism of disease.;Absent from controls (or at extremely low frequency if recessive) in Genome Aggregation Database.